The following is an entry in ClinVar:

NM_001845.6(COL4A1):c.3294del (p.Ser1101fs)

Gene: COL4A1 (collagen type IV alpha 1 chain; minus strand). Cytogenetic location: 13q34.
Variant type: Deletion.
Coding change: c.3294del on transcript NM_001845.6 (MANE Select); coding-DNA position 3294, one base deleted (T; older notation c.3294delT).
Protein change: p.Ser1101fs; shifts the reading frame from serine 1101.
Molecular consequence: frameshift variant.
Genome position (GRCh38, 1-based): chr13:110,174,654, A deleted on the plus strand (T on the coding strand, the reverse complement: COL4A1 is on the minus strand); the first of 2 consecutive A bases (chr13:110,174,654-110,174,655); deleting either gives the same sequence. VCF-style (leftmost placement, unchanged base first): chr13-110174653-TA-T. GRCh37 (hg19) VCF-style: chr13-110827000-TA-T.
Other names: short protein forms S1101fs.
Identifiers: ClinVar variation 3069147 (VCV003069147.1), dbSNP rs2501770978, ClinGen allele CA2825002170.

ClinVar aggregate classification (germline): Pathogenic (1 of 4 stars; one submission).

Conditions:
COL4A1-related disorder. Also called: COL4A1-related disorders; COL4A1-related condition. Identifiers: MedGen CN376119, MONDO:0800461.

Submission:

Illumina Laboratory Services, Illumina
Classification: Pathogenic for COL4A1-related disorder. Last evaluated: 2022-04-20. Review status: criteria provided, single submitter. Criteria: ICSLVariantClassificationCriteria RUGD 01 April 2020. Collection method: clinical testing. Allele origin: unknown.
Comment: The COL4A1 c.3294delT p.(Ser1101LeufsTer96) variant causes a shift in the protein reading frame that is predicted to result in premature termination of the protein. Loss of normal protein function through either protein truncation or nonsense-mediated mRNA decay is expected. To our knowledge, this variant has not been reported in the peer-reviewed literature. This variant is not found in version 2.1.1 or version 3.1.2 of the Genome Aggregation Database. Based on the available evidence, the c.3294delT p.(Ser1101LeufsTer96) variant is classified as pathogenic for COL4A1-related disorders.